The following is an entry in ClinVar:

NM_020791.4(TAOK1):c.2715G>A (p.Pro905=)

Gene: TAOK1 (TAO kinase 1; plus strand). Cytogenetic location: 17q11.2.
Variant type: single nucleotide variant.
Coding change: c.2715G>A on transcript NM_020791.4 (MANE Select); coding-DNA position 2715, G replaced by A.
Protein change: p.Pro905=; no amino-acid change (proline 905 retained).
Molecular consequence: synonymous variant.
Genome position (GRCh38, 1-based): chr17:29,542,731, G>A. VCF-style: chr17-29542731-G-A. GRCh37 (hg19) VCF-style: chr17-27869749-G-A.
Other names: c.2271G>A, p.Pro757= (NM_025142.1).
Identifiers: ClinVar variation 3025161 (VCV003025161.22), dbSNP rs146438033, ClinGen allele CA8474906.

ClinVar aggregate classification (germline): Likely benign (1 of 4 stars; one submission).

Allele frequency attached by ClinVar (database versions not stated): ExAC 0.00011; ESP Exome Variant Server 0.00015; gnomAD 0.00015; TOPMed 0.00019; gnomAD exomes 0.00023.
gnomAD v4.1: 355 of 1,614,080 alleles (0.022%); highest among the groups gnomAD compares: Non-Finnish European, 0.027%; no homozygotes.

Submission:

CeGaT Center for Human Genetics Tuebingen
Classification: Likely benign. Last evaluated: 2023-12-01. Review status: criteria provided, single submitter. Criteria: CeGaT Center For Human Genetics Tuebingen Variant Classification Criteria Version 2. Collection method: clinical testing. Allele origin: germline. Affected: yes. Observed: 1 variant allele.
Comment: TAOK1: BP4, BP7